The following is an entry in ClinVar:

NM_004415.4(DSP):c.1702-289G>T

Gene: DSP (desmoplakin; plus strand). Cytogenetic location: 6p24.3.
Variant type: single nucleotide variant.
Coding change: c.1702-289G>T on transcript NM_004415.4 (MANE Select); 289 bases into the intron before coding-DNA position 1702, G replaced by T.
Molecular consequence: intron variant.
Genome position (GRCh38, 1-based): chr6:7,571,094, G>T. VCF-style: chr6-7571094-G-T. GRCh37 (hg19) VCF-style: chr6-7571327-G-T.
Other names: NC_000006.11:g.7571327G>T; c.1702-289G>T (NM_001319034.2, NM_001008844.3).
Identifiers: ClinVar variation 683475 (VCV000683475.2), dbSNP rs2806233, ClinGen allele CA133959763.

ClinVar aggregate classification (germline): Benign (1 of 4 stars; one submission).

Allele frequency attached by ClinVar (database versions not stated): gnomAD 0.95228; TOPMed 0.96299; 1000 Genomes Project 30x 0.98314.
gnomAD v4.1: 145,025 of 151,974 alleles (95%); highest among the groups gnomAD compares: East Asian, 100%; 69,302 homozygotes.

Submissions (8):

GeneDx
Classification: Benign. Last evaluated: 2018-06-18. Review status: criteria provided, single submitter. Criteria: GeneDx Variant Classification (06012015). Collection method: clinical testing. Allele origin: germline. Affected: yes.
Comment: This variant is considered likely benign or benign based on one or more of the following criteria: it is a conservative change, it occurs at a poorly conserved position in the protein, it is predicted to be benign by multiple in silico algorithms, and/or has population frequency not consistent with disease.

Dr. Peter K. Rogan Lab, Western University
No classification provided (evidence only). Condition: Uterine corpus endometrial carcinoma. Review status: no classification provided. Collection method: in vitro. Allele origin: not applicable. Functional consequence: retained intron. Not counted in ClinVar's aggregate classification.

Dr. Peter K. Rogan Lab, Western University
No classification provided (evidence only). Condition: Sarcoma. Review status: no classification provided. Collection method: in vitro. Allele origin: not applicable. Functional consequence: retained intron. Not counted in ClinVar's aggregate classification.

Dr. Peter K. Rogan Lab, Western University
No classification provided (evidence only). Condition: Sarcoma. Review status: no classification provided. Collection method: in vitro. Allele origin: not applicable. Functional consequence: retained intron. Not counted in ClinVar's aggregate classification.

Dr. Peter K. Rogan Lab, Western University
No classification provided (evidence only). Condition: Gastric cancer. Review status: no classification provided. Collection method: in vitro. Allele origin: not applicable. Functional consequence: retained intron. Not counted in ClinVar's aggregate classification.

Dr. Peter K. Rogan Lab, Western University
No classification provided (evidence only). Condition: Gastric cancer. Review status: no classification provided. Collection method: in vitro. Allele origin: not applicable. Functional consequence: retained intron. Not counted in ClinVar's aggregate classification.

Dr. Peter K. Rogan Lab, Western University
No classification provided (evidence only). Condition: Malignant tumor of esophagus. Review status: no classification provided. Collection method: in vitro. Allele origin: not applicable. Functional consequence: retained intron. Not counted in ClinVar's aggregate classification.

Dr. Peter K. Rogan Lab, Western University
No classification provided (evidence only). Condition: Malignant tumor of esophagus. Review status: no classification provided. Collection method: in vitro. Allele origin: not applicable. Functional consequence: retained intron. Not counted in ClinVar's aggregate classification.